The following is an entry in ClinVar:

NM_002004.4(FDPS):c.1091T>C (p.Val364Ala)

Genes: FDPS (farnesyl diphosphate synthase; plus strand), RUSC1-AS1 (RUSC1 antisense RNA 1; minus strand). Cytogenetic location: 1q22.
Variant type: single nucleotide variant.
Coding change: c.1091T>C on transcript NM_002004.4 (MANE Select); coding-DNA position 1091, T replaced by C.
Protein change: p.Val364Ala; replaces valine 364 with alanine.
Molecular consequence: missense variant. On other transcripts: non-coding transcript variant (1).
Genome position (GRCh38, 1-based): chr1:155,320,440, T>C. VCF-style: chr1-155320440-T-C. GRCh37 (hg19) VCF-style: chr1-155290231-T-C.
Other names: c.893T>C (NM_001135822.1); c.1091T>C, p.Val364Ala (NM_001135821.2); c.893T>C, p.Val298Ala (NM_001135822.2, NM_001242824.2, NM_001378424.1 and 1 more transcripts); c.578T>C, p.Val193Ala (NM_001242825.2); short protein forms V193A, V364A, V298A.
Identifiers: ClinVar variation 684523 (VCV000684523.4), dbSNP rs41314549, ClinGen allele CA1144841.

ClinVar aggregate classification (germline): Benign (0 of 4 stars; one submission).

Conditions:
FDPS-related disorder. Also called: FDPS-related condition.

Allele frequency attached by ClinVar (database versions not stated): 1000 Genomes Project 0.01038; 1000 Genomes Project 30x 0.01077; gnomAD exomes 0.01604 and 0.02410; ExAC 0.01610; gnomAD 0.01629 and 0.01641; TOPMed 0.01678; ESP Exome Variant Server 0.02322.
gnomAD v4.1: 37,621 of 1,613,526 alleles (2.3%); highest among the groups gnomAD compares: Non-Finnish European, 2.8%; 535 homozygotes.

Submission:

PreventionGenetics, part of Exact Sciences
Classification: Benign for FDPS-related condition. Last evaluated: 2019-04-26. Review status: no assertion criteria provided. Collection method: clinical testing. Allele origin: germline.
Comment: This variant is classified as benign based on ACMG/AMP sequence variant interpretation guidelines (Richards et al. 2015 PMID: 25741868, with internal and published modifications).